The following is an entry in ClinVar:

NM_170606.3(KMT2C):c.11613C>G (p.Asp3871Glu)

Gene: KMT2C (lysine methyltransferase 2C; minus strand). Cytogenetic location: 7q36.1.
Variant type: single nucleotide variant.
Coding change: c.11613C>G on transcript NM_170606.3 (MANE Select); coding-DNA position 11613, C replaced by G.
Protein change: p.Asp3871Glu; replaces aspartic acid 3871 with glutamic acid.
Molecular consequence: missense variant.
Genome position (GRCh38, 1-based): chr7:152,158,920, G>C on the plus strand (C>G on the coding strand, the complement: KMT2C is on the minus strand). VCF-style: chr7-152158920-G-C. GRCh37 (hg19) VCF-style: chr7-151856005-G-C.
Other names: short protein forms D3871E.
Identifiers: ClinVar variation 4885027 (VCV004885027.2).
Genomic context (GRCh38, chr7:152,158,920, plus strand): 5'-CACCTGTTTCAAGTGGGTAAACGTGTCAGTGCTAGAGTACATAGCTTGTTTCTCCTCTTC[G>C]TCCTTTTTCCTTTTCTTTGAGCGAGGTGCTGCTTTCTCACCCGTCCTCTGAGTCCGTTTG-3'
Protein context (NP_733751.2, residues 3861-3881): AAPRSKKRKK[Asp3871Glu]EEEKQAMYSS

ClinVar aggregate classification (germline): Uncertain significance (1 of 4 stars; one submission).

Submission:

Dasa
Classification: Uncertain significance. Last evaluated: 2025-09-21. Review status: criteria provided, single submitter. Criteria: DASA Assertion Criteria. Collection method: clinical testing. Allele origin: germline.
Comment: NM_170606.3(KMT2C):c.11613C>G (p.Asp3871Glu) is a missense variant that results in the substitution of aspartic acid with glutamic acid. This variant is absent from population databases. The currently available literature and clinical evidence are not sufficient to establish a definitive association between this variant and the reported condition. Therefore, this variant is classified as a variant of uncertain significance.